The following is an entry in ClinVar:

ClinVar aggregate classification (germline): Uncertain significance. Review status: criteria provided, multiple submitters, no conflicts (2 of 4 stars). 2 submissions from 2 submitters: Uncertain significance (2). Last evaluated 2026-04-21.

Allele frequency attached by ClinVar (database versions not stated): gnomAD exomes 0.00002; ExAC 0.00003; gnomAD 0.00003.
gnomAD v4.1: 32 of 1,611,616 alleles (0.002%); highest among the groups gnomAD compares: Non-Finnish European, 0.0025%; no homozygotes.

Submissions (2):

Women's Health and Genetics/Laboratory Corporation of America, LabCorp
Classification: Uncertain significance. Last evaluated: 2026-04-21. Review status: criteria provided, single submitter. Criteria: LabCorp Variant Classification Summary - May 2015. Collection method: clinical testing. Allele origin: germline.
Comment: Variant summary: ITPR1 c.3426+6T>C alters a nucleotide located close to a canonical splice site and therefore could affect mRNA splicing, leading to a significantly altered protein sequence. Consensus agreement among computation tools predict no significant impact on normal splicing. However, these predictions have yet to be confirmed by functional studies. The variant allele was found at a frequency of 1.6e-05 in 245368 control chromosomes. The available data on variant occurrences in the general population are insufficient to allow any conclusion about variant significance. To our knowledge, no occurrence of c.3426+6T>C in individuals affected with ITPR1-related conditions and no experimental evidence demonstrating its impact on protein function have been reported. ClinVar contains an entry for this variant (Variation ID: 1469490). Based on the evidence outlined above, the variant was classified as uncertain significance.

Labcorp Genetics (formerly Invitae), Labcorp
Classification: Uncertain significance. Last evaluated: 2023-07-07. Review status: criteria provided, single submitter. Criteria: Invitae Variant Classification Sherloc (09022015). Collection method: clinical testing. Allele origin: germline.
Comment: This sequence change falls in intron 27 of the ITPR1 gene. It does not directly change the encoded amino acid sequence of the ITPR1 protein. It affects a nucleotide within the consensus splice site. This variant is present in population databases (rs753276679, gnomAD 0.004%). This variant has not been reported in the literature in individuals affected with ITPR1-related conditions. ClinVar contains an entry for this variant (Variation ID: 1469490). Variants that disrupt the consensus splice site are a relatively common cause of aberrant splicing (PMID: 17576681, 9536098). Algorithms developed to predict the effect of sequence changes on RNA splicing suggest that this variant is not likely to affect RNA splicing. In summary, the available evidence is currently insufficient to determine the role of this variant in disease. Therefore, it has been classified as a Variant of Uncertain Significance.

Literature cited by the submitters: PubMed 17576681 (cited by Labcorp Genetics (formerly Invitae), Labcorp); PubMed 9536098 (cited by Labcorp Genetics (formerly Invitae), Labcorp).

NM_001378452.1(ITPR1):c.3498+6T>C

Gene: ITPR1 (inositol 1,4,5-trisphosphate receptor type 1; plus strand). Cytogenetic location: 3p26.1.
Variant type: single nucleotide variant.
Coding change: c.3498+6T>C on transcript NM_001378452.1 (MANE Select); 6 bases into the intron after coding-DNA position 3498, T replaced by C.
Molecular consequence: intron variant.
Genome position (GRCh38, 1-based): chr3:4,683,804, T>C. VCF-style: chr3-4683804-T-C. GRCh37 (hg19) VCF-style: chr3-4725488-T-C.
Other names: c.3471+6T>C (NM_001099952.4); c.3453+6T>C (NM_001168272.2); c.3426+6T>C (NM_002222.7).
Identifiers: ClinVar variation 1469490 (VCV001469490.7), dbSNP rs753276679, ClinGen allele CA2231683.
Genomic context (GRCh38, chr3:4,683,804, plus strand): 5'-CCCCGATGAGACTATGGATGGTGCATCTGGAGAAAATGAACATAAGAAAACGGAGGTGAG[T>C]GAAACACAAGTTATGCTGCCAAAGTGGATGGATGGGCTTCTCGAAACTAGGGAGCATCCT-3'